The following is an entry in ClinVar:

NM_005026.5(PIK3CD):c.982A>G (p.Ile328Val)

Gene: PIK3CD (phosphatidylinositol-4,5-bisphosphate 3-kinase catalytic subunit delta; plus strand). Cytogenetic location: 1p36.22.
Variant type: single nucleotide variant.
Coding change: c.982A>G on transcript NM_005026.5 (MANE Select); coding-DNA position 982, A replaced by G.
Protein change: p.Ile328Val; replaces isoleucine 328 with valine.
Molecular consequence: missense variant.
Genome position (GRCh38, 1-based): chr1:9,717,588, A>G. VCF-style: chr1-9717588-A-G. GRCh37 (hg19) VCF-style: chr1-9777646-A-G.
Other names: c.982A>G, p.Ile328Val (NM_001350234.2); c.895A>G, p.Ile299Val (NM_001350235.1); short protein forms I299V, I328V.
Identifiers: ClinVar variation 2768469 (VCV002768469.3), dbSNP rs1570366466, ClinGen allele CA338301827.
Genomic context (GRCh38, chr1:9,717,588, plus strand): 5'-GGCCCCCAGCCTTCCTCTGTGTCCCTGTGGTCCCTGGAGCAGCCGTTCCGCATCGAGCTC[A>G]TCCAGGGCAGCAAAGTGAACGCCGACGAGCGGATGAAGGTGGGGCTCCTGGGATAGGTGG-3'
Protein context (NP_005017.3, residues 318-338): SLEQPFRIEL[Ile328Val]QGSKVNADER

ClinVar aggregate classification (germline): Uncertain significance (1 of 4 stars; one submission).

Conditions:
Immunodeficiency 14 (IMD14A). Also called: p110-DELTA-ACTIVATING MUTATION CAUSING SENESCENT T CELLS, LYMPHADENOPATHY, AND IMMUNODEFICIENCY; IMMUNODEFICIENCY 14A WITH LYMPHOPROLIFERATION, AUTOSOMAL DOMINANT; ACTIVATED PI3K-DELTA SYNDROME 1; Activated PI3K Delta Syndrome Type 1 (APDS1). Identifiers: Orphanet 397596, Orphanet 693661, MedGen C5907821, MONDO:0014222, OMIM 615513.

Submission:

Labcorp Genetics (formerly Invitae), Labcorp
Classification: Uncertain significance for Activated PI3K-delta syndrome. Last evaluated: 2023-10-14. Review status: criteria provided, single submitter. Criteria: Invitae Variant Classification Sherloc (09022015). Collection method: clinical testing. Allele origin: germline.
Comment: This sequence change replaces isoleucine, which is neutral and non-polar, with valine, which is neutral and non-polar, at codon 328 of the PIK3CD protein (p.Ile328Val). This variant is not present in population databases (gnomAD no frequency). This variant has not been reported in the literature in individuals affected with PIK3CD-related conditions. Advanced modeling of protein sequence and biophysical properties (such as structural, functional, and spatial information, amino acid conservation, physicochemical variation, residue mobility, and thermodynamic stability) performed at Invitae indicates that this missense variant is not expected to disrupt PIK3CD protein function. In summary, the available evidence is currently insufficient to determine the role of this variant in disease. Therefore, it has been classified as a Variant of Uncertain Significance.